The following is an entry in ClinVar:

ClinVar aggregate classification (germline): Uncertain significance (1 of 4 stars; one submission).

Submission:

Labcorp Genetics (formerly Invitae), Labcorp
Classification: Uncertain significance. Last evaluated: 2023-07-10. Review status: criteria provided, single submitter. Criteria: Invitae Variant Classification Sherloc (09022015). Collection method: clinical testing. Allele origin: germline.
Comment: This variant is not present in population databases (gnomAD no frequency). This sequence change replaces isoleucine, which is neutral and non-polar, with valine, which is neutral and non-polar, at codon 479 of the CCDC88C protein (p.Ile479Val). This variant has not been reported in the literature in individuals affected with CCDC88C-related conditions. In summary, the available evidence is currently insufficient to determine the role of this variant in disease. Therefore, it has been classified as a Variant of Uncertain Significance. Algorithms developed to predict the effect of missense changes on protein structure and function output the following: SIFT: "Not Available"; PolyPhen-2: "Benign"; Align-GVGD: "Not Available". The valine amino acid residue is found in multiple mammalian species, which suggests that this missense change does not adversely affect protein function. ClinVar contains an entry for this variant (Variation ID: 2002366).

NM_001080414.4(CCDC88C):c.1435A>G (p.Ile479Val)

Gene: CCDC88C (coiled-coil and HOOK domain protein 88C; minus strand). Cytogenetic location: 14q32.11.
Variant type: single nucleotide variant.
Coding change: c.1435A>G on transcript NM_001080414.4 (MANE Select); coding-DNA position 1435, A replaced by G.
Protein change: p.Ile479Val; replaces isoleucine 479 with valine.
Molecular consequence: missense variant.
Genome position (GRCh38, 1-based): chr14:91,321,212, T>C on the plus strand (A>G on the coding strand, the complement: CCDC88C is on the minus strand). VCF-style: chr14-91321212-T-C. GRCh37 (hg19) VCF-style: chr14-91787556-T-C.
Other names: short protein forms I479V.
Identifiers: ClinVar variation 2002366 (VCV002002366.4), dbSNP rs2544414132, ClinGen allele CA390636008.